The following is an entry in ClinVar:

NM_000206.3(IL2RG):c.352C>T (p.Gln118Ter)

Gene: IL2RG (interleukin 2 receptor subunit gamma; minus strand). Cytogenetic location: Xq13.1.
Variant type: single nucleotide variant.
Coding change: c.352C>T on transcript NM_000206.3 (MANE Select); coding-DNA position 352, C replaced by T.
Protein change: p.Gln118Ter; replaces glutamine 118 with a stop codon.
Molecular consequence: nonsense.
Genome position (GRCh38, 1-based): chrX:71,110,606, G>A on the plus strand (C>T on the coding strand, the complement: IL2RG is on the minus strand). VCF-style: chrX-71110606-G-A. GRCh37 (hg19) VCF-style: chrX-70330456-G-A.
Other names: short protein forms Q118*.
Identifiers: ClinVar variation 2737251 (VCV002737251.3), dbSNP rs2519647207, ClinGen allele CA413496754.

ClinVar aggregate classification (germline): Pathogenic (1 of 4 stars; one submission).

Conditions:
X-linked severe combined immunodeficiency (SCIDX1). Also called: X-Linked Combined Immunodeficiency Diseases; IMMUNODEFICIENCY 4; SCID, X-LINKED; SEVERE COMBINED IMMUNODEFICIENCY, X-LINKED, T CELL-NEGATIVE, B CELL-POSITIVE, NK CELL-NEGATIVE; T-B+ severe combined immunodeficiency due to gamma chain deficiency. Identifiers: Orphanet 276, MedGen C6022468, MONDO:0010315, OMIM 300400. Disease mechanism: loss of function.

Submission:

Labcorp Genetics (formerly Invitae), Labcorp
Classification: Pathogenic for X-linked severe combined immunodeficiency. Last evaluated: 2023-08-27. Review status: criteria provided, single submitter. Criteria: Invitae Variant Classification Sherloc (09022015). Collection method: clinical testing. Allele origin: germline.
Comment: This variant has not been reported in the literature in individuals affected with IL2RG-related conditions. This variant is not present in population databases (gnomAD no frequency). This sequence change creates a premature translational stop signal (p.Gln118*) in the IL2RG gene. It is expected to result in an absent or disrupted protein product. Loss-of-function variants in IL2RG are known to be pathogenic (PMID: 9058718, 10794430). For these reasons, this variant has been classified as Pathogenic.

Literature cited by the submitters: PubMed 9058718; PubMed 10794430.